The following is an entry in ClinVar:

ClinVar aggregate classification (germline): Uncertain significance (1 of 4 stars; one submission).

Conditions:
2-aminoadipic 2-oxoadipic aciduria (AAKAD). Also called: ALPHA-AMINOADIPIC AND ALPHA-KETOADIPIC ACIDURIA; Aminoadipic aciduria. Identifiers: Orphanet 79154, MedGen C1859817, MONDO:0008774, OMIM 204750.

Allele frequency attached by ClinVar (database versions not stated): TOPMed below 0.00001; gnomAD exomes 0.00001 and 0.00002; ExAC 0.00002.
gnomAD v4.1: 13 of 1,614,054 alleles (0.00081%); highest among the groups gnomAD compares: South Asian, 0.0033%; no homozygotes.

Submission:

Labcorp Genetics (formerly Invitae), Labcorp
Classification: Uncertain significance for 2-aminoadipic 2-oxoadipic aciduria. Last evaluated: 2021-07-19. Review status: criteria provided, single submitter. Criteria: Invitae Variant Classification Sherloc (09022015). Collection method: clinical testing. Allele origin: germline.
Comment: Algorithms developed to predict the effect of missense changes on protein structure and function (SIFT, PolyPhen-2, Align-GVGD) all suggest that this variant is likely to be disruptive. In summary, the available evidence is currently insufficient to determine the role of this variant in disease. Therefore, it has been classified as a Variant of Uncertain Significance. This variant has not been reported in the literature in individuals affected with DHTKD1-related conditions. This sequence change replaces alanine with threonine at codon 899 of the DHTKD1 protein (p.Ala899Thr). The alanine residue is highly conserved and there is a small physicochemical difference between alanine and threonine. This variant is present in population databases (rs767599280, ExAC 0.009%).

NM_018706.7(DHTKD1):c.2695G>A (p.Ala899Thr)

Gene: DHTKD1 (dehydrogenase E1 and transketolase domain containing 1; plus strand). Cytogenetic location: 10p14.
Variant type: single nucleotide variant.
Coding change: c.2695G>A on transcript NM_018706.7 (MANE Select); coding-DNA position 2695, G replaced by A.
Protein change: p.Ala899Thr; replaces alanine 899 with threonine.
Molecular consequence: missense variant.
Genome position (GRCh38, 1-based): chr10:12,120,823, G>A. VCF-style: chr10-12120823-G-A. GRCh37 (hg19) VCF-style: chr10-12162822-G-A.
Other names: short protein forms A899T.
Identifiers: ClinVar variation 1472556 (VCV001472556.8), dbSNP rs767599280, ClinGen allele CA5408375.